The following is an entry in ClinVar:

ClinVar aggregate classification (germline): Uncertain significance (1 of 4 stars; one submission).

gnomAD v4.1: 1 of 1,550,970 alleles (0.000064%); highest among the groups gnomAD compares: Non-Finnish European, 0.000087%; no homozygotes.

Submission:

Women's Health and Genetics/Laboratory Corporation of America, LabCorp
Classification: Uncertain significance. Last evaluated: 2024-06-14. Review status: criteria provided, single submitter. Criteria: LabCorp Variant Classification Summary - May 2015. Collection method: clinical testing. Allele origin: germline.
Comment: Variant summary: TENM4 c.116A>G (p.Tyr39Cys) results in a non-conservative amino acid change located in the Teneurin intracellular, N-terminal domain (IPR009471) of the encoded protein sequence. Four of five in-silico tools predict a damaging effect of the variant on protein function. The variant was absent in 153592 control chromosomes (gnomAD). The available data on variant occurrences in the general population are insufficient to allow any conclusion about variant significance. To our knowledge, no occurrence of c.116A>G in individuals affected with Tremor, Hereditary Essential, 5 and no experimental evidence demonstrating its impact on protein function have been reported. No submitters have cited clinical-significance assessments for this variant to ClinVar. Based on the evidence outlined above, the variant was classified as uncertain significance.

NM_001098816.3(TENM4):c.116A>G (p.Tyr39Cys)

Gene: TENM4 (teneurin transmembrane protein 4; minus strand). Cytogenetic location: 11q14.1.
Variant type: single nucleotide variant.
Coding change: c.116A>G on transcript NM_001098816.3 (MANE Select); coding-DNA position 116, A replaced by G.
Protein change: p.Tyr39Cys; replaces tyrosine 39 with cysteine.
Molecular consequence: missense variant.
Genome position (GRCh38, 1-based): chr11:79,069,829, T>C on the plus strand (A>G on the coding strand, the complement: TENM4 is on the minus strand). VCF-style: chr11-79069829-T-C. GRCh37 (hg19) VCF-style: chr11-78780874-T-C.
Other names: short protein forms Y39C.
Identifiers: ClinVar variation 3339522 (VCV003339522.1).